The following is an entry in ClinVar:

NM_024598.4(USB1):c.86G>A (p.Gly29Glu)

Genes: USB1 (U6 snRNA biogenesis phosphodiesterase 1; plus strand), LOC130059131 (ATAC-STARR-seq lymphoblastoid active region 10920; plus strand). Cytogenetic location: 16q21.
Variant type: single nucleotide variant.
Coding change: c.86G>A on transcript NM_024598.4 (MANE Select); coding-DNA position 86, G replaced by A.
Protein change: p.Gly29Glu; replaces glycine 29 with glutamic acid.
Molecular consequence: missense variant. On other transcripts: intron variant (1).
Genome position (GRCh38, 1-based): chr16:58,001,569, G>A. VCF-style: chr16-58001569-G-A. GRCh37 (hg19) VCF-style: chr16-58035473-G-A.
Other names: c.86G>A, p.Gly29Glu (NM_001195302.2, NM_001204911.2, NM_001330569.2); c.-55-910G>A (NM_001330568.2); short protein forms G29E.
Identifiers: ClinVar variation 3978152 (VCV003978152.1).
Genomic context (GRCh38, chr16:58,001,569, plus strand): 5'-ACAGCAGCAGCGGCTCCGAGGATGAGTCCGAGGACGGGATGCGGACCAGGCCGGGGGATG[G>A]GAGCCACCGTCGGTGAGGAGTGAGGAAGTCTCTCCGGAGGGCGCGCGCATTCACCCTAGA-3'
Protein context (NP_078874.2, residues 19-39): EDGMRTRPGD[Gly29Glu]SHRRGQSPLP

ClinVar aggregate classification (germline): Uncertain significance (1 of 4 stars; one submission).

Conditions:
Inborn genetic diseases. Identifiers: MedGen C0950123, MeSH D030342.

Submission:

Ambry Genetics
Classification: Uncertain significance for Inborn genetic diseases. Last evaluated: 2025-04-06. Review status: criteria provided, single submitter. Criteria: Ambry Variant Classification Scheme 2023. Collection method: clinical testing. Allele origin: germline.
Comment: The p.G29E variant (also known as c.86G>A), located in coding exon 1 of the USB1 gene, results from a G to A substitution at nucleotide position 86. The glycine at codon 29 is replaced by glutamic acid, an amino acid with similar properties. This amino acid position is conserved. In addition, this alteration is predicted to be tolerated by in silico analysis. Based on the available evidence, the clinical significance of this variant remains unclear.